The following is an entry in ClinVar:

NM_001377540.1(SLMAP):c.2065G>A (p.Glu689Lys)

Gene: SLMAP (sarcolemma associated protein; plus strand). Cytogenetic location: 3p14.3.
Variant type: single nucleotide variant.
Coding change: c.2065G>A on transcript NM_001377540.1 (MANE Select); coding-DNA position 2065, G replaced by A.
Protein change: p.Glu689Lys; replaces glutamic acid 689 with lysine.
Molecular consequence: missense variant. On other transcripts: non-coding transcript variant (1).
Genome position (GRCh38, 1-based): chr3:57,913,202, G>A. VCF-style: chr3-57913202-G-A. GRCh37 (hg19) VCF-style: chr3-57898929-G-A.
Other names: c.2002G>A, p.Glu668Lys (NM_001377545.1); c.1963G>A, p.Glu655Lys (NM_001377549.1, NM_007159.5); c.1951G>A, p.Glu651Lys (NM_001377551.1, NM_001377552.1); c.1942G>A, p.Glu648Lys (NM_001377555.1); c.1900G>A, p.Glu634Lys (NM_001377557.1, NM_001377559.1, NM_001304421.2); c.1891G>A, p.Glu631Lys (NM_001377562.1, NM_001377921.1); c.1879G>A, p.Glu627Lys (NM_001377922.1); c.2014G>A, p.Glu672Lys (NM_001304420.3, NM_001377541.1, NM_001377542.1); and 8 more; short protein forms E614K, E631K, E689K, E696K, E593K, E627K, E655K, E668K.
Identifiers: ClinVar variation 971748 (VCV000971748.8), dbSNP rs147989677, ClinGen allele CA2467290.

ClinVar aggregate classification (germline): Uncertain significance. Review status: criteria provided, multiple submitters, no conflicts (2 of 4 stars). 2 submissions from 2 submitters: Uncertain significance (2). Last evaluated 2026-03-02.

Conditions:
Brugada syndrome. Also called: Sudden unexpected nocturnal death syndrome; Sudden Unexplained Death Syndrome; Sudden Unexplained Nocturnal Death Syndrome (SUNDS); Sudden unexplained nocturnal death syndrome. Identifiers: Orphanet 130, MedGen C1142166, MONDO:0015263.

Allele frequency attached by ClinVar (database versions not stated): gnomAD 0.00003; gnomAD exomes 0.00003 and 0.00004; ExAC 0.00004; TOPMed 0.00004; ESP Exome Variant Server 0.00008.
gnomAD v4.1: 42 of 1,599,022 alleles (0.0026%); highest among the groups gnomAD compares: Middle Eastern, 0.017%; no homozygotes.

Submissions (2):

Women's Health and Genetics/Laboratory Corporation of America, LabCorp
Classification: Uncertain significance. Last evaluated: 2026-03-02. Review status: criteria provided, single submitter. Criteria: LabCorp Variant Classification Summary - May 2015. Collection method: clinical testing. Allele origin: germline.

Labcorp Genetics (formerly Invitae), Labcorp
Classification: Uncertain significance for Brugada syndrome. Last evaluated: 2025-05-25. Review status: criteria provided, single submitter. Criteria: Invitae Variant Classification Sherloc (09022015). Collection method: clinical testing. Allele origin: germline.
Comment: This sequence change replaces glutamic acid, which is acidic and polar, with lysine, which is basic and polar, at codon 655 of the SLMAP protein (p.Glu655Lys). This variant is present in population databases (rs147989677, gnomAD 0.01%). This variant has not been reported in the literature in individuals affected with SLMAP-related conditions. ClinVar contains an entry for this variant (Variation ID: 971748). An algorithm developed to predict the effect of missense changes on protein structure and function (PolyPhen-2) suggests that this variant is likely to be disruptive. In summary, the available evidence is currently insufficient to determine the role of this variant in disease. Therefore, it has been classified as a Variant of Uncertain Significance.